The following is an entry in ClinVar:

NM_181523.3(PIK3R1):c.1135A>G (p.Lys379Glu)

Gene: PIK3R1 (phosphoinositide-3-kinase regulatory subunit 1; plus strand). Cytogenetic location: 5q13.1.
Variant type: single nucleotide variant.
Coding change: c.1135A>G on transcript NM_181523.3 (MANE Select); coding-DNA position 1135, A replaced by G.
Protein change: p.Lys379Glu; replaces lysine 379 with glutamic acid.
Molecular consequence: missense variant.
Genome position (GRCh38, 1-based): chr5:68,293,319, A>G. VCF-style: chr5-68293319-A-G. GRCh37 (hg19) VCF-style: chr5-67589147-A-G.
Other names: c.46A>G, p.Lys16Glu (NM_001242466.2); c.325A>G, p.Lys109Glu (NM_181504.4); c.235A>G, p.Lys79Glu (NM_181524.2); short protein forms K109E, K16E, K379E, K79E.
Identifiers: ClinVar variation 1334546 (VCV001334546.5), dbSNP rs2112257053, ClinGen allele CA359879413.
Genomic context (GRCh38, chr5:68,293,319, plus strand): 5'-TATTCCAAAATGTTAATACCTTTATTTTTATATTGTTTTTACAGGAAAGGGGGAAATAAC[A>G]AATTAATCAAAATATTTCATCGAGATGGGAAATATGGCTTCTCTGACCCATTAACCTTCA-3'
Protein context (NP_852664.1, residues 369-389): TLTLRKGGNN[Lys379Glu]LIKIFHRDGK

ClinVar aggregate classification (germline): Uncertain significance (1 of 4 stars; one submission).
ClinVar aggregate classification (oncogenicity): Likely oncogenic (1 of 4 stars; one submission).

Conditions:
Neoplasm. Also called: tumor; Neoplasms; Neoplasm (disease). Identifiers: MedGen C0027651, MeSH D009369, MONDO:0005070, HP:0002664.

Submissions (2):

Center for Genomic Medicine, Rigshospitalet, Copenhagen University Hospital
Classification: Likely oncogenic for Neoplasm. Last evaluated: 2025-12-29. Review status: criteria provided, single submitter. Criteria: ClinGen/CGC/VICC Guidelines for Oncogenicity, 2022. Collection method: clinical testing. Allele origin: somatic. Affected: yes.

Greenwood Genetic Center Diagnostic Laboratories, Greenwood Genetic Center
Classification: Uncertain significance. Last evaluated: 2021-08-13. Review status: criteria provided, single submitter. Criteria: ACMG Guidelines, 2015. Collection method: clinical testing. Allele origin: germline. Affected: yes.
Comment: PM2

Literature cited by the submitters: PubMed 34507989 (cited by Center for Genomic Medicine, Rigshospitalet, Copenhagen University Hospital); PubMed 20713702 (cited by Center for Genomic Medicine, Rigshospitalet, Copenhagen University Hospital); PubMed 29533785 (cited by Center for Genomic Medicine, Rigshospitalet, Copenhagen University Hospital).